The following is an entry in ClinVar:

Conditions:
Breast-ovarian cancer, familial, susceptibility to, 1 (BROVCA1). Also called: BRCA1 Hereditary Breast and Ovarian Cancer; OVARIAN CANCER, SUSCEPTIBILITY TO. Identifiers: Orphanet 145, MedGen C2676676, MONDO:0011450, OMIM 604370. Disease mechanism: loss of function.

Submission:

Brotman Baty Institute, University of Washington
No classification provided (evidence only). Condition: Breast-ovarian cancer, familial 1. Review status: no classification provided. Collection method: in vitro. Allele origin: not applicable. Functional consequence: functionally_normal.
ClinVar note: "not provided" was previously submitted as the classification for the variant. However, the classification appeared to be based only on an observation of functional data so it was converted to no classification on 2025-07-30.

NM_007294.4(BRCA1):c.81-22T>C

Gene: BRCA1 (BRCA1 DNA repair associated; minus strand). Cytogenetic location: 17q21.31.
Variant type: single nucleotide variant.
Coding change: c.81-22T>C on transcript NM_007294.4 (MANE Select); 22 bases into the intron before coding-DNA position 81, T replaced by C.
Molecular consequence: intron variant.
Genome position (GRCh38, 1-based): chr17:43,115,801, A>G on the plus strand (T>C on the coding strand, the complement: BRCA1 is on the minus strand). VCF-style: chr17-43115801-A-G. GRCh37 (hg19) VCF-style: chr17-41267818-A-G.
Other names: c.-61-22T>C (NM_001408458.1, NM_001408470.1, NM_001407848.1 and 47 more transcripts); c.-219+9476T>C (NM_001407967.1); c.-170+9476T>C (NM_001407959.1); c.-7-9268T>C (NM_001407931.1, NM_001407747.1, NM_001408511.1 and 2 more transcripts); c.-223-22T>C (NM_001407962.1, NM_001408512.1, NM_001408510.1 and 1 more transcripts); c.-108-22T>C (NM_001407885.1, NM_001407886.1, NM_001408509.1 and 52 more transcripts); c.-177-22T>C (NM_001407746.1, NM_001408468.1, NM_001407842.1 and 13 more transcripts); c.-8+8216T>C (NM_001408461.1, NM_001407738.1, NM_001407932.1 and 23 more transcripts); and 10 more.
Identifiers: ClinVar variation 867439 (VCV000867439.3), dbSNP rs2055269563, ClinGen allele CA916081101.